The following is an entry in ClinVar:

ClinVar aggregate classification (germline): Uncertain significance (1 of 4 stars; one submission).

Conditions:
Neonatal-onset encephalopathy with rigidity and seizures. Also called: Lethal neonatal spasticity-epileptic encephalopathy syndrome. Identifiers: Orphanet 435845, MedGen C3281029, MONDO:0013784, OMIM 614498.

gnomAD v4.1: 1 of 1,601,188 alleles (0.000062%); no homozygotes.

Submission:

Labcorp Genetics (formerly Invitae), Labcorp
Classification: Uncertain significance for Neonatal-onset encephalopathy with rigidity and seizures. Last evaluated: 2022-08-09. Review status: criteria provided, single submitter. Criteria: Invitae Variant Classification Sherloc (09022015). Collection method: clinical testing. Allele origin: germline.
Comment: In summary, the available evidence is currently insufficient to determine the role of this variant in disease. Therefore, it has been classified as a Variant of Uncertain Significance. Algorithms developed to predict the effect of missense changes on protein structure and function are either unavailable or do not agree on the potential impact of this missense change (SIFT: "Deleterious"; PolyPhen-2: "Possibly Damaging"; Align-GVGD: "Class C0"). ClinVar contains an entry for this variant (Variation ID: 1514165). This variant has not been reported in the literature in individuals affected with BRAT1-related conditions. This variant is not present in population databases (gnomAD no frequency). This sequence change replaces phenylalanine, which is neutral and non-polar, with isoleucine, which is neutral and non-polar, at codon 661 of the BRAT1 protein (p.Phe661Ile).

NM_152743.4(BRAT1):c.1981T>A (p.Phe661Ile)

Gene: BRAT1 (BRCA1 associated ATM activator 1; minus strand). Cytogenetic location: 7p22.3.
Variant type: single nucleotide variant.
Coding change: c.1981T>A on transcript NM_152743.4 (MANE Select); coding-DNA position 1981, T replaced by A.
Protein change: p.Phe661Ile; replaces phenylalanine 661 with isoleucine.
Molecular consequence: missense variant. On other transcripts: non-coding transcript variant (1).
Genome position (GRCh38, 1-based): chr7:2,538,554, A>T on the plus strand (T>A on the coding strand, the complement: BRAT1 is on the minus strand). VCF-style: chr7-2538554-A-T. GRCh37 (hg19) VCF-style: chr7-2578188-A-T.
Other names: c.2161T>A, p.Phe721Ile (NM_001350626.2); c.1456T>A, p.Phe486Ile (NM_001350627.2); short protein forms F661I, F486I, F721I.
Identifiers: ClinVar variation 1514165 (VCV001514165.6), dbSNP rs2128384204, ClinGen allele CA366625034.